The following is an entry in ClinVar:

NM_000166.6(GJB1):c.*34C>A

Gene: GJB1 (gap junction protein beta 1; plus strand). Cytogenetic location: Xq13.1.
Variant type: single nucleotide variant.
Coding change: c.*34C>A on transcript NM_000166.6 (MANE Select); 34 bases downstream of the stop codon, C replaced by A.
Molecular consequence: 3 prime UTR variant.
Genome position (GRCh38, 1-based): chrX:71,224,593, C>A. VCF-style: chrX-71224593-C-A. GRCh37 (hg19) VCF-style: chrX-70444443-C-A.
Other names: NC_000023.10:g.70444443C>A; c.*34C>A (NM_001097642.3).
Identifiers: ClinVar variation 368627 (VCV000368627.9), dbSNP rs113014279, ClinGen allele CA10445357.

ClinVar aggregate classification (germline): Benign. Review status: criteria provided, multiple submitters, no conflicts (2 of 4 stars). 3 submissions from 3 submitters: Benign (3). Last evaluated 2018-06-16.

Conditions:
Charcot-Marie-Tooth disease X-linked dominant 1. Also called: CHARCOT-MARIE-TOOTH NEUROPATHY, X-LINKED, 1; CHARCOT-MARIE-TOOTH PERONEAL MUSCULAR ATROPHY, X-LINKED; HEREDITARY MOTOR AND SENSORY NEUROPATHY, X-LINKED; HMSN, X-LINKED; Charcot-Marie-Tooth Neuropathy X Type 1; X-linked Charcot-Marie-Tooth disease type 1. Identifiers: Orphanet 101075, MedGen C0393808, MONDO:0010549, OMIM 302800.

Allele frequency attached by ClinVar (database versions not stated): gnomAD exomes 0.00452; ExAC 0.00703; ESP Exome Variant Server 0.01713; gnomAD 0.02074; TOPMed 0.02215; 1000 Genomes Project 0.02570; 1000 Genomes Project 30x 0.02664.
gnomAD v4.1: 4,548 of 1,016,607 alleles (0.45%); highest among the groups gnomAD compares: African/African-American, 7.3%; 127 homozygotes.

Submissions (4):

GeneDx
Classification: Benign. Last evaluated: 2018-06-16. Review status: criteria provided, single submitter. Criteria: GeneDx Variant Classification Process June 2021. Collection method: clinical testing. Allele origin: germline. Affected: yes.

Illumina Laboratory Services, Illumina
Classification: Benign for Charcot-Marie-Tooth disease X-linked dominant 1. Last evaluated: 2018-01-13. Review status: criteria provided, single submitter. Criteria: ICSL Variant Classification Criteria 13 December 2019. Collection method: clinical testing. Allele origin: germline.
Comment: This variant was observed in the ICSL laboratory as part of a predisposition screen in an ostensibly healthy population. It had not been previously curated by ICSL or reported in the Human Gene Mutation Database (HGMD: prior to June 1st, 2018), and was therefore a candidate for classification through an automated scoring system. Utilizing variant allele frequency, disease prevalence and penetrance estimates, and inheritance mode, an automated score was calculated to assess if this variant is too frequent to cause the disease. Based on the score and internal cut-off values, a variant classified as benign is not then subjected to further curation. The score for this variant resulted in a classification of benign for this disease.

Breakthrough Genomics
Classification: Benign. Review status: criteria provided, single submitter. Criteria: ACMG Guidelines, 2015. Collection method: not provided. Allele origin: germline. Inheritance: X-linked inheritance. Affected: yes.

Dr. Peter K. Rogan Lab, Western University
No classification provided (evidence only). Condition: Colon adenocarcinoma. Review status: no classification provided. Collection method: in vitro. Allele origin: not applicable. Functional consequence: retained intron. Not counted in ClinVar's aggregate classification.